The following is an entry in ClinVar:

NM_005660.3(SLC35A2):c.1097G>A (p.Gly366Glu)

Gene: SLC35A2 (solute carrier family 35 member A2; minus strand). Cytogenetic location: Xp11.23.
Variant type: single nucleotide variant.
Coding change: c.1097G>A on transcript NM_005660.3 (MANE Select); coding-DNA position 1097, G replaced by A.
Protein change: p.Gly366Glu; replaces glycine 366 with glutamic acid.
Molecular consequence: missense variant. On other transcripts: synonymous variant (3).
Genome position (GRCh38, 1-based): chrX:48,904,812, C>T on the plus strand (G>A on the coding strand, the complement: SLC35A2 is on the minus strand). VCF-style: chrX-48904812-C-T. GRCh37 (hg19) VCF-style: chrX-48762089-C-T.
Other names: c.1097G>A (NM_001042498.2); c.507G>A, p.Arg169= (NM_001032289.3, NM_001282647.2); c.1097G>A, p.Gly366Glu (NM_001042498.3); c.435G>A, p.Arg145= (NM_001282648.2); c.914G>A, p.Gly305Glu (NM_001282649.2); c.1136G>A, p.Gly379Glu (NM_001282650.2); c.1181G>A, p.Gly394Glu (NM_001282651.2); short protein forms G305E, G366E, G379E, G394E.
Identifiers: ClinVar variation 2998836 (VCV002998836.4), dbSNP rs1387443482, ClinGen allele CA412894125.

ClinVar aggregate classification (germline): Uncertain significance. Review status: criteria provided, multiple submitters, no conflicts (2 of 4 stars). 2 submissions from 2 submitters: Uncertain significance (2). Last evaluated 2025-11-12.

Conditions:
SLC35A2-congenital disorder of glycosylation. Also called: CONGENITAL DISORDER OF GLYCOSYLATION, TYPE IIm; CDG IIm; EPILEPTIC ENCEPHALOPATHY, EARLY INFANTILE, 22; DEVELOPMENTAL AND EPILEPTIC ENCEPHALOPATHY 22; CONGENITAL DISORDER OF GLYCOSYLATION, TYPE IIm, SOMATIC MOSAIC; SLC35A2-CDG. Identifiers: Orphanet 356961, MedGen C3806688, MONDO:0010478, OMIM 300896.
Inborn genetic diseases. Identifiers: MedGen C0950123, MeSH D030342.

Allele frequency attached by ClinVar (database versions not stated): gnomAD exomes below 0.00001; gnomAD 0.00001; TOPMed 0.00002.
gnomAD v4.1: 3 of 1,209,663 alleles (0.00025%); highest among the groups gnomAD compares: African/African-American, 0.0035%; no homozygotes.

Submissions (2):

Ambry Genetics
Classification: Uncertain significance for Inborn genetic diseases. Last evaluated: 2025-11-12. Review status: criteria provided, single submitter. Criteria: Ambry Variant Classification Scheme 2023. Collection method: clinical testing. Allele origin: germline.

Labcorp Genetics (formerly Invitae), Labcorp
Classification: Uncertain significance for SLC35A2-congenital disorder of glycosylation. Last evaluated: 2024-02-22. Review status: criteria provided, single submitter. Criteria: Invitae Variant Classification Sherloc (09022015). Collection method: clinical testing. Allele origin: germline.
Comment: This sequence change replaces glycine, which is neutral and non-polar, with glutamic acid, which is acidic and polar, at codon 366 of the SLC35A2 protein (p.Gly366Glu). This variant is not present in population databases (gnomAD no frequency). This variant has not been reported in the literature in individuals affected with SLC35A2-related conditions. Advanced modeling of protein sequence and biophysical properties (such as structural, functional, and spatial information, amino acid conservation, physicochemical variation, residue mobility, and thermodynamic stability) has been performed at Invitae for this missense variant, however the output from this modeling did not meet the statistical confidence thresholds required to predict the impact of this variant on SLC35A2 protein function. In summary, the available evidence is currently insufficient to determine the role of this variant in disease. Therefore, it has been classified as a Variant of Uncertain Significance.